The following is an entry in ClinVar:

NM_000368.5(TSC1):c.1635T>C (p.Pro545=)

Gene: TSC1 (TSC complex subunit 1; minus strand). Cytogenetic location: 9q34.13.
Variant type: single nucleotide variant.
Coding change: c.1635T>C on transcript NM_000368.5 (MANE Select); coding-DNA position 1635, T replaced by C.
Protein change: p.Pro545=; no amino-acid change (proline 545 retained).
Molecular consequence: synonymous variant.
Genome position (GRCh38, 1-based): chr9:132,905,943, A>G on the plus strand (T>C on the coding strand, the complement: TSC1 is on the minus strand). VCF-style: chr9-132905943-A-G. GRCh37 (hg19) VCF-style: chr9-135781330-A-G.
Other names: c.1632T>C, p.Pro544= (NM_001162426.2); c.1482T>C, p.Pro494= (NM_001162427.2); c.1272T>C, p.Pro424= (NM_001362177.2).
Identifiers: ClinVar variation 751726 (VCV000751726.13), dbSNP rs372284519, ClinGen allele CA029268.
Genomic context (GRCh38, chr9:132,905,943, plus strand): 5'-GCTTTCATCAGCACTGCCGCAGGGCAGGTCTATGGGAGTAAAGGCTTGCTTTGGTGTGTC[A>G]GGCCCAAGCTTGTCCAGGGAGGAGTGTAAAGGCTCAGGGTTCACGCTGGCGCCCTGAGAA-3'
Protein context (NP_000359.1, residues 535-555): PLHSSLDKLG[Pro545=]DTPKQAFTPI

ClinVar aggregate classification (germline): Benign/Likely benign. Review status: criteria provided, multiple submitters, no conflicts (2 of 4 stars). 4 submissions from 4 submitters: Benign (1); Likely benign (3). Last evaluated 2025-12-01.

Conditions:
Tuberous sclerosis syndrome (TSC). Also called: Tuberous sclerosis; Tuberous Sclerosis Complex. Identifiers: Orphanet 805, MedGen C0041341, MONDO:0001734.
Hereditary cancer-predisposing syndrome. Also called: Tumor predisposition; Hereditary Cancer Syndrome; Neoplastic Syndromes, Hereditary; Hereditary neoplastic syndrome. Identifiers: Orphanet 140162, MedGen C0027672, MeSH D009386, MONDO:0015356.
Tuberous sclerosis 1 (TSC1). Identifiers: Orphanet 805, MedGen C1854465, MONDO:0008612, OMIM 191100.

Allele frequency attached by ClinVar (database versions not stated): gnomAD exomes below 0.00001 and 0.00001; ExAC 0.00001; gnomAD 0.00003; TOPMed 0.00003; ESP Exome Variant Server 0.00008.
gnomAD v4.1: 6 of 1,613,822 alleles (0.00037%); highest among the groups gnomAD compares: African/African-American, 0.008%; no homozygotes.

Submissions (4):

Labcorp Genetics (formerly Invitae), Labcorp
Classification: Likely benign for Tuberous sclerosis 1. Last evaluated: 2025-12-01. Review status: criteria provided, single submitter. Criteria: Invitae Variant Classification Sherloc (09022015). Collection method: clinical testing. Allele origin: germline.

Myriad Genetics, Inc.
Classification: Benign for Tuberous sclerosis 1. Last evaluated: 2025-04-10. Review status: criteria provided, single submitter. Criteria: Myriad Autosomal Dominant, Autosomal Recessive and X-Linked Classification Criteria (2023). Collection method: clinical testing. Allele origin: unknown.
Comment: This variant is considered benign. This variant is a silent/synonymous amino acid change and it is not expected to impact splicing.

All of Us Research Program, National Institutes of Health
Classification: Likely benign for Tuberous sclerosis syndrome. Last evaluated: 2024-05-14. Review status: criteria provided, single submitter. Criteria: ACMG Guidelines, 2015. Collection method: clinical testing. Allele origin: germline. Inheritance: Autosomal dominant inheritance. Observed: 1 variant allele, 1 heterozygote.
Comment: This study involves interpretation of variants in research participants for the purpose of population health screening. Participant phenotype was not available at the time of variant classification. Additional details can be found in publication PMID: 35346344, PMCID: PMC8962531

Ambry Genetics
Classification: Likely benign for Hereditary cancer-predisposing syndrome. Last evaluated: 2023-09-23. Review status: criteria provided, single submitter. Criteria: Ambry Variant Classification Scheme 2023. Collection method: clinical testing. Allele origin: germline.